The following is an entry in ClinVar:

NM_032737.4(LMNB2):c.1156A>G (p.Met386Val)

Gene: LMNB2 (lamin B2; minus strand). Cytogenetic location: 19p13.3.
Variant type: single nucleotide variant.
Coding change: c.1156A>G on transcript NM_032737.4 (MANE Select); coding-DNA position 1156, A replaced by G.
Protein change: p.Met386Val; replaces methionine 386 with valine.
Molecular consequence: missense variant.
Genome position (GRCh38, 1-based): chr19:2,434,341, T>C on the plus strand (A>G on the coding strand, the complement: LMNB2 is on the minus strand). VCF-style: chr19-2434341-T-C. GRCh37 (hg19) VCF-style: chr19-2434339-T-C.
Other names: short protein forms M386V.
Identifiers: ClinVar variation 968189 (VCV000968189.9), dbSNP rs746460447, ClinGen allele CA9067597.

ClinVar aggregate classification (germline): Uncertain significance (1 of 4 stars; one submission).

Conditions:
Progressive myoclonic epilepsy type 9. Identifiers: Orphanet 457265, MedGen C4225289, MONDO:0014685, OMIM 616540.
Lipodystrophy, partial, acquired, susceptibility to (APLD). Also called: APLD, SUSCEPTIBILITY TO. Identifiers: MedGen C3887501, MONDO:0100476, OMIM 608709.

Allele frequency attached by ClinVar (database versions not stated): TOPMed 0.00001; ExAC 0.00003; gnomAD exomes 0.00004.
gnomAD v4.1: 58 of 1,613,172 alleles (0.0036%); highest among the groups gnomAD compares: South Asian, 0.0066%; no homozygotes.

Submission:

Labcorp Genetics (formerly Invitae), Labcorp
Classification: Uncertain significance for Progressive myoclonic epilepsy type 9; Lipodystrophy, partial, acquired, susceptibility to. Last evaluated: 2019-10-23. Review status: criteria provided, single submitter. Criteria: Invitae Variant Classification Sherloc (09022015). Collection method: clinical testing. Allele origin: germline.
Comment: In summary, the available evidence is currently insufficient to determine the role of this variant in disease. Therefore, it has been classified as a Variant of Uncertain Significance. Algorithms developed to predict the effect of missense changes on protein structure and function output the following: SIFT: "Deleterious"; PolyPhen-2: "Benign"; Align-GVGD: "Class C15". The valine amino acid residue is found in multiple mammalian species, suggesting that this missense change does not adversely affect protein function. These predictions have not been confirmed by published functional studies and their clinical significance is uncertain. This variant has not been reported in the literature in individuals with LMNB2-related conditions. This variant is present in population databases (rs746460447, ExAC 0.01%). This sequence change replaces methionine with valine at codon 386 of the LMNB2 protein (p.Met386Val). The methionine residue is highly conserved and there is a small physicochemical difference between methionine and valine.